The following is an entry in ClinVar:

ClinVar aggregate classification (germline): Pathogenic (1 of 4 stars; one submission).

Conditions:
Hereditary cancer-predisposing syndrome. Also called: Neoplastic Syndromes, Hereditary; Tumor predisposition; Hereditary neoplastic syndrome; Hereditary Cancer Syndrome. Identifiers: Orphanet 140162, MedGen C0027672, MeSH D009386, MONDO:0015356.

Submission:

Labcorp Genetics (formerly Invitae), Labcorp
Classification: Pathogenic for Hereditary cancer-predisposing syndrome. Last evaluated: 2023-06-17. Review status: criteria provided, single submitter. Criteria: Invitae Variant Classification Sherloc (09022015). Collection method: clinical testing. Allele origin: germline.
Comment: This sequence change creates a premature translational stop signal (p.Lys1059Argfs*3) in the RAD50 gene. It is expected to result in an absent or disrupted protein product. Loss-of-function variants in RAD50 are known to be pathogenic (PMID: 19409520). This variant is not present in population databases (gnomAD no frequency). This variant has not been reported in the literature in individuals affected with RAD50-related conditions. For these reasons, this variant has been classified as Pathogenic.

Literature cited by the submitters: PubMed 19409520.

NM_005732.4(RAD50):c.3176_3185del (p.Lys1059fs)

Gene: RAD50 (RAD50 double strand break repair protein; plus strand). Cytogenetic location: 5q31.1.
Variant type: Deletion.
Coding change: c.3176_3185del on transcript NM_005732.4 (MANE Select); coding-DNA positions 3176 to 3185, 10 bases deleted (AGTTGGAAGA; older notation c.3176_3185delAGTTGGAAGA).
Protein change: p.Lys1059fs; shifts the reading frame from lysine 1059.
Molecular consequence: frameshift variant.
Genome position (GRCh38, 1-based): chr5:132,618,081-132,618,090, AGTTGGAAGA deleted; deleting any 10 consecutive bases within chr5:132,618,078-132,618,090 gives the same sequence; the c. name uses the placement nearest the transcript's 3' end. VCF-style (leftmost placement, unchanged base first): chr5-132618077-CAGAAGTTGGA-C. GRCh37 (hg19) VCF-style: chr5-131953769-CAGAAGTTGGA-C.
Other names: short protein forms K1059fs.
Identifiers: ClinVar variation 3014279 (VCV003014279.3), dbSNP rs2479388114, ClinGen allele CA2740094081.